The following is an entry in ClinVar:

ClinVar aggregate classification (germline): Likely pathogenic (1 of 4 stars; one submission).

Conditions:
TH-deficient dopa-responsive dystonia. Also called: Segawa syndrome, autosomal recessive; DYT-TH; Tyrosine Hydroxylase-Deficient Dopa-Responsive Dystonia. Identifiers: Orphanet 101150, MedGen C2673535, MONDO:0011551, OMIM 605407.

Submission:

Myriad Genetics, Inc.
Classification: Likely pathogenic for TH-deficient dopa-responsive dystonia. Last evaluated: 2022-03-14. Review status: criteria provided, single submitter. Criteria: Myriad Women's Health Autosomal Recessive and X-Linked Classification Criteria (2021). Collection method: clinical testing. Allele origin: unknown.
Comment: NM_199292.2(TH):c.932_933insCC(K311Nfs*107) is expected to be pathogenic in the context of tyrosine hydroxylase deficiency. This variant is predicted to lead to an abnormal or absent protein product due to the creation of a premature termination codon in TH, a gene where loss-of-function variants are known to be pathogenic. Please note: this variant was assessed in the context of healthy population screening.

NM_000360.4(TH):c.839_840insCC (p.Lys280fs)

Gene: TH (tyrosine hydroxylase; minus strand). Cytogenetic location: 11p15.5.
Variant type: Insertion.
Coding change: c.839_840insCC on transcript NM_000360.4 (MANE Select); coding-DNA positions 839 to 840, CC inserted.
Protein change: p.Lys280fs; shifts the reading frame from lysine 280.
Molecular consequence: frameshift variant.
Genome position: GRCh38 VCF-style: chr11-2166888-C-CGG. GRCh37 (hg19) VCF-style: chr11-2188118-C-CGG.
Other names: c.932_933insCC, p.Lys311fs (NM_199292.3); c.920_921insCC, p.Lys307fs (NM_199293.3); short protein forms K280fs, K307fs, K311fs.
Identifiers: ClinVar variation 1725190 (VCV001725190.2), dbSNP rs2495804984, ClinGen allele CA2580082662.